The following is an entry in ClinVar:

ClinVar aggregate classification (germline): Uncertain significance (1 of 4 stars; one submission).

Conditions:
Hereditary cancer-predisposing syndrome. Also called: Hereditary Cancer Syndrome; Hereditary neoplastic syndrome; Neoplastic Syndromes, Hereditary; Tumor predisposition. Identifiers: Orphanet 140162, MedGen C0027672, MeSH D009386, MONDO:0015356.

Allele frequency attached by ClinVar (database versions not stated): gnomAD 0.00001.
gnomAD v4.1: 1 of 1,613,978 alleles (0.000062%); no homozygotes.

Submission:

Ambry Genetics
Classification: Uncertain significance for Hereditary cancer-predisposing syndrome. Last evaluated: 2022-01-31. Review status: criteria provided, single submitter. Criteria: Ambry Variant Classification Scheme 2023. Collection method: clinical testing. Allele origin: germline.
Comment: The p.K428R variant (also known as c.1283A>G), located in coding exon 4 of the MSH6 gene, results from an A to G substitution at nucleotide position 1283. The lysine at codon 428 is replaced by arginine, an amino acid with highly similar properties. This amino acid position is highly conserved in available vertebrate species. In addition, the in silico prediction for this alteration is inconclusive. Since supporting evidence is limited at this time, the clinical significance of this alteration remains unclear.

NM_000179.3(MSH6):c.1283A>G (p.Lys428Arg)

Gene: MSH6 (mutS homolog 6; plus strand). Cytogenetic location: 2p16.3.
Variant type: single nucleotide variant.
Coding change: c.1283A>G on transcript NM_000179.3 (MANE Select); coding-DNA position 1283, A replaced by G.
Protein change: p.Lys428Arg; replaces lysine 428 with arginine.
Molecular consequence: missense variant.
Genome position (GRCh38, 1-based): chr2:47,799,266, A>G. VCF-style: chr2-47799266-A-G. GRCh37 (hg19) VCF-style: chr2-48026405-A-G.
Other names: c.893A>G, p.Lys298Arg (NM_001281492.2); c.377A>G, p.Lys126Arg (NM_001281493.2, NM_001281494.2, NM_001406811.1 and 6 more transcripts); c.1379A>G, p.Lys460Arg (NM_001406795.1, NM_001406802.1); c.1283A>G, p.Lys428Arg (NM_001406796.1, NM_001406798.1, NM_001406800.1 and 4 more transcripts); c.986A>G, p.Lys329Arg (NM_001406797.1, NM_001406801.1, NM_001406805.1 and 10 more transcripts); c.758A>G, p.Lys253Arg (NM_001406799.1, NM_001406806.1, NM_001406807.1); c.1205A>G, p.Lys402Arg (NM_001406804.1); c.1289A>G, p.Lys430Arg (NM_001406813.1); and 1 more; short protein forms K298R, K329R, K430R, K402R, K428R, K460R, K126R, K253R.
Identifiers: ClinVar variation 1768413 (VCV001768413.2), dbSNP rs1669315424, ClinGen allele CA346744132.